The following is an entry in ClinVar:

ClinVar aggregate classification (germline): Uncertain significance. Review status: criteria provided, multiple submitters, no conflicts (2 of 4 stars). 3 submissions from 3 submitters: Uncertain significance (3). Last evaluated 2025-09-13.

Conditions:
Hereditary spastic paraplegia. Also called: Familial spastic paraparesis. Identifiers: Orphanet 685, MedGen C0037773, MONDO:0019064. Disease mechanism: loss of function.
Hereditary spastic paraplegia 7 (SPG7). Also called: SPG7-related neurologic disorder; Autosomal recessive spastic paraplegia type 7; SPASTIC PARAPLEGIA 7, AUTOSOMAL RECESSIVE, WITH OR WITHOUT CEREBELLAR ATAXIA; Spastic paraplegia 7; Hereditary spastic paraplegia Paraplegin type. Identifiers: Orphanet 99013, MedGen C1846564, MONDO:0011803, OMIM 607259.

Allele frequency attached by ClinVar (database versions not stated): TOPMed 0.00003.
gnomAD v4.1: 13 of 1,613,948 alleles (0.00081%); highest among the groups gnomAD compares: South Asian, 0.0033%; no homozygotes.

Submissions (3):

Labcorp Genetics (formerly Invitae), Labcorp
Classification: Uncertain significance for Hereditary spastic paraplegia 7. Last evaluated: 2025-09-13. Review status: criteria provided, single submitter. Criteria: Invitae Variant Classification Sherloc (09022015). Collection method: clinical testing. Allele origin: germline.
Comment: This sequence change replaces threonine, which is neutral and polar, with methionine, which is neutral and non-polar, at codon 481 of the SPG7 protein (p.Thr481Met). This variant is present in population databases (rs376713807, gnomAD 0.007%). This variant has not been reported in the literature in individuals affected with SPG7-related conditions. ClinVar contains an entry for this variant (Variation ID: 424694). Invitae Evidence Modeling of protein sequence and biophysical properties (such as structural, functional, and spatial information, amino acid conservation, physicochemical variation, residue mobility, and thermodynamic stability) indicates that this missense variant is expected to disrupt SPG7 protein function with a positive predictive value of 80%. In summary, the available evidence is currently insufficient to determine the role of this variant in disease. Therefore, it has been classified as a Variant of Uncertain Significance.

CeGaT Center for Human Genetics Tuebingen
Classification: Uncertain significance. Last evaluated: 2020-11-01. Review status: criteria provided, single submitter. Criteria: CeGaT Center For Human Genetics Tuebingen Variant Classification Criteria Version 2. Collection method: clinical testing. Allele origin: germline. Affected: yes. Observed: 1 variant allele.

Unit for Genetic & Epidemiological Research on Neurological Disorders, Instituto de Investigação e Inovação em Saúde
Classification: Uncertain significance for Hereditary spastic paraplegia. Last evaluated: 2017-03-07. Review status: criteria provided, single submitter. Criteria: Morais et al. (Eur J Hum Genet. 2017). Collection method: research. Allele origin: unknown. Affected: yes.

NM_003119.4(SPG7):c.1442C>T (p.Thr481Met)

Gene: SPG7 (SPG7 matrix AAA peptidase subunit, paraplegin; plus strand). Cytogenetic location: 16q24.3.
Variant type: single nucleotide variant.
Coding change: c.1442C>T on transcript NM_003119.4 (MANE Select); coding-DNA position 1442, C replaced by T.
Protein change: p.Thr481Met; replaces threonine 481 with methionine.
Molecular consequence: missense variant.
Genome position (GRCh38, 1-based): chr16:89,544,765, C>T. VCF-style: chr16-89544765-C-T. GRCh37 (hg19) VCF-style: chr16-89611173-C-T.
Other names: c.1442C>T, p.Thr481Met (NM_001363850.1); short protein forms T481M.
Identifiers: ClinVar variation 424694 (VCV000424694.43), dbSNP rs376713807, ClinGen allele CA8244172.